The following is an entry in ClinVar:

NM_002878.4(RAD51D):c.658C>G (p.Gln220Glu)

Genes: RAD51L3-RFFL (RAD51L3-RFFL readthrough; minus strand), RAD51D (RAD51 paralog D; minus strand). Cytogenetic location: 17q12.
Variant type: single nucleotide variant.
Coding change: c.658C>G on transcript NM_002878.4 (MANE Select); coding-DNA position 658, C replaced by G.
Protein change: p.Gln220Glu; replaces glutamine 220 with glutamic acid.
Molecular consequence: missense variant. On other transcripts: non-coding transcript variant (3).
Genome position (GRCh38, 1-based): chr17:35,103,463, G>C on the plus strand (C>G on the coding strand, the complement: RAD51D is on the minus strand). VCF-style: chr17-35103463-G-C. GRCh37 (hg19) VCF-style: chr17-33430482-G-C.
Other names: c.718C>G, p.Gln240Glu (NM_001142571.2); c.322C>G, p.Gln108Glu (NM_133629.3); short protein forms Q108E, Q220E, Q240E.
Identifiers: ClinVar variation 1754342 (VCV001754342.4), dbSNP rs2142420266, ClinGen allele CA399087849.

ClinVar aggregate classification (germline): Uncertain significance. Review status: criteria provided, multiple submitters, no conflicts (2 of 4 stars). 2 submissions from 2 submitters: Uncertain significance (2). Last evaluated 2024-03-19.

Conditions:
Hereditary cancer-predisposing syndrome. Also called: Neoplastic Syndromes, Hereditary; Tumor predisposition; Hereditary Cancer Syndrome; Hereditary neoplastic syndrome. Identifiers: Orphanet 140162, MedGen C0027672, MeSH D009386, MONDO:0015356.
Breast-ovarian cancer, familial, susceptibility to, 4. Identifiers: Orphanet 145, MedGen C3280345, MONDO:0013669, OMIM 614291.

Submissions (2):

Labcorp Genetics (formerly Invitae), Labcorp
Classification: Uncertain significance for Breast-ovarian cancer, familial, susceptibility to, 4. Last evaluated: 2024-03-19. Review status: criteria provided, single submitter. Criteria: Invitae Variant Classification Sherloc (09022015). Collection method: clinical testing. Allele origin: germline.
Comment: This sequence change replaces glutamine, which is neutral and polar, with glutamic acid, which is acidic and polar, at codon 220 of the RAD51D protein (p.Gln220Glu). This variant is not present in population databases (gnomAD no frequency). This variant has not been reported in the literature in individuals affected with RAD51D-related conditions. ClinVar contains an entry for this variant (Variation ID: 1754342). Advanced modeling of protein sequence and biophysical properties (such as structural, functional, and spatial information, amino acid conservation, physicochemical variation, residue mobility, and thermodynamic stability) has been performed at Invitae for this missense variant, however the output from this modeling did not meet the statistical confidence thresholds required to predict the impact of this variant on RAD51D protein function. In summary, the available evidence is currently insufficient to determine the role of this variant in disease. Therefore, it has been classified as a Variant of Uncertain Significance.

Ambry Genetics
Classification: Uncertain significance for Hereditary cancer-predisposing syndrome. Last evaluated: 2020-07-08. Review status: criteria provided, single submitter. Criteria: Ambry Variant Classification Scheme 2023. Collection method: clinical testing. Allele origin: germline.
Comment: The p.Q220E variant (also known as c.658C>G), located in coding exon 7 of the RAD51D gene, results from a C to G substitution at nucleotide position 658. The glutamine at codon 220 is replaced by glutamic acid, an amino acid with highly similar properties. This amino acid position is well conserved in available vertebrate species. In addition, the in silico prediction for this alteration is inconclusive. Since supporting evidence is limited at this time, the clinical significance of this alteration remains unclear.